The following is an entry in ClinVar:

NM_021076.4(NEFH):c.868G>C (p.Glu290Gln)

Gene: NEFH (neurofilament heavy chain; plus strand). Cytogenetic location: 22q12.2.
Variant type: single nucleotide variant.
Coding change: c.868G>C on transcript NM_021076.4 (MANE Select); coding-DNA position 868, G replaced by C.
Protein change: p.Glu290Gln; replaces glutamic acid 290 with glutamine.
Molecular consequence: missense variant.
Genome position (GRCh38, 1-based): chr22:29,481,130, G>C. VCF-style: chr22-29481130-G-C. GRCh37 (hg19) VCF-style: chr22-29877119-G-C.
Other names: short protein forms E290Q.
Identifiers: ClinVar variation 1764318 (VCV001764318.8), dbSNP rs1469426243, ClinGen allele CA411124275.

ClinVar aggregate classification (germline): Uncertain significance. Review status: criteria provided, multiple submitters, no conflicts (2 of 4 stars). 3 submissions from 3 submitters: Uncertain significance (3). Last evaluated 2025-10-08.

Conditions:
Inborn genetic diseases. Identifiers: MedGen C0950123, MeSH D030342.
NEFH-related disorder. Also called: NEFH-related condition.

Allele frequency attached by ClinVar (database versions not stated): TOPMed below 0.00001; gnomAD 0.00001; gnomAD exomes 0.00001.

Submissions (3):

PreventionGenetics, part of Exact Sciences
Classification: Uncertain significance for NEFH-related condition. Last evaluated: 2025-10-08. Review status: criteria provided, single submitter. Criteria: ACMG Guidelines, 2015. Collection method: clinical testing. Allele origin: germline.
Comment: The NEFH c.868G>C variant is predicted to result in the amino acid substitution p.Glu290Gln. To our knowledge, this variant has not been reported in the literature. This variant is reported in 0.0066% of alleles in individuals of European (Non-Finnish) descent in gnomAD. At this time, the clinical significance of this variant is uncertain due to the absence of conclusive functional and genetic evidence.

Labcorp Genetics (formerly Invitae), Labcorp
Classification: Uncertain significance. Last evaluated: 2023-10-27. Review status: criteria provided, single submitter. Criteria: Invitae Variant Classification Sherloc (09022015). Collection method: clinical testing. Allele origin: germline.
Comment: This sequence change replaces glutamic acid, which is acidic and polar, with glutamine, which is neutral and polar, at codon 290 of the NEFH protein (p.Glu290Gln). This variant is present in population databases (no rsID available, gnomAD 0.007%). This variant has not been reported in the literature in individuals affected with NEFH-related conditions. ClinVar contains an entry for this variant (Variation ID: 1764318). Advanced modeling of protein sequence and biophysical properties (such as structural, functional, and spatial information, amino acid conservation, physicochemical variation, residue mobility, and thermodynamic stability) performed at Invitae indicates that this missense variant is not expected to disrupt NEFH protein function with a negative predictive value of 95%. In summary, the available evidence is currently insufficient to determine the role of this variant in disease. Therefore, it has been classified as a Variant of Uncertain Significance.

Ambry Genetics
Classification: Uncertain significance for Inborn genetic diseases. Last evaluated: 2019-09-18. Review status: criteria provided, single submitter. Criteria: Ambry Variant Classification Scheme 2023. Collection method: clinical testing. Allele origin: germline.
Comment: The p.E290Q variant (also known as c.868G>C), located in coding exon 1 of the NEFH gene, results from a G to C substitution at nucleotide position 868. The glutamic acid at codon 290 is replaced by glutamine, an amino acid with highly similar properties. This amino acid position is well conserved in available vertebrate species. In addition, this alteration is predicted to be deleterious by in silico analysis. Since supporting evidence is limited at this time, the clinical significance of this alteration remains unclear.